The following is an entry in ClinVar:

NM_000065.5(C6):c.43C>G (p.Leu15Val)

Gene: C6 (complement C6; minus strand). Cytogenetic location: 5p13.1.
Variant type: single nucleotide variant.
Coding change: c.43C>G on transcript NM_000065.5 (MANE Select); coding-DNA position 43, C replaced by G.
Protein change: p.Leu15Val; replaces leucine 15 with valine.
Molecular consequence: missense variant.
Genome position (GRCh38, 1-based): chr5:41,203,188, G>C on the plus strand (C>G on the coding strand, the complement: C6 is on the minus strand). VCF-style: chr5-41203188-G-C. GRCh37 (hg19) VCF-style: chr5-41203290-G-C.
Other names: c.43C>G, p.Leu15Val (NM_001115131.4); short protein forms L15V.
Identifiers: ClinVar variation 1381614 (VCV001381614.3), dbSNP rs767171287, ClinGen allele CA3252906.

ClinVar aggregate classification (germline): Uncertain significance (1 of 4 stars; one submission).

Allele frequency attached by ClinVar (database versions not stated): ExAC 0.00001; gnomAD 0.00001; gnomAD exomes 0.00001.
gnomAD v4.1: 4 of 1,614,002 alleles (0.00025%); highest among the groups gnomAD compares: African/African-American, 0.0053%; no homozygotes.

Submission:

Labcorp Genetics (formerly Invitae), Labcorp
Classification: Uncertain significance. Last evaluated: 2022-08-23. Review status: criteria provided, single submitter. Criteria: Invitae Variant Classification Sherloc (09022015). Collection method: clinical testing. Allele origin: germline.
Comment: This sequence change replaces leucine, which is neutral and non-polar, with valine, which is neutral and non-polar, at codon 15 of the C6 protein (p.Leu15Val). This variant is present in population databases (rs767171287, gnomAD 0.01%). This variant has not been reported in the literature in individuals affected with C6-related conditions. ClinVar contains an entry for this variant (Variation ID: 1381614). Algorithms developed to predict the effect of missense changes on protein structure and function output the following: SIFT: "Tolerated"; PolyPhen-2: "Benign"; Align-GVGD: "Class C0". The valine amino acid residue is found in multiple mammalian species, which suggests that this missense change does not adversely affect protein function. In summary, the available evidence is currently insufficient to determine the role of this variant in disease. Therefore, it has been classified as a Variant of Uncertain Significance.